The following is an entry in ClinVar:

ClinVar aggregate classification (germline): Pathogenic. Review status: criteria provided, single submitter (1 of 4 stars). 2 submissions from 1 submitter: Pathogenic (1). 1 of the submissions does not count toward it. Last evaluated 2024-03-17.

Conditions:
Hereditary spastic paraplegia 3A (SPG3A). Also called: Spastic paraplegia 3A, autosomal dominant; SPASTIC PARAPLEGIA 3, AUTOSOMAL DOMINANT; FAMILIAL SPASTIC PARAPLEGIA, AUTOSOMAL DOMINANT, 1; SPG3; STRUMPELL DISEASE; Spastic Paraplegia 3A. Identifiers: Orphanet 100984, MedGen C2931355, MONDO:0008437, OMIM 182600.

Submissions (2):

Genomic Medicine Center of Excellence, King Faisal Specialist Hospital and Research Centre
Classification: Pathogenic for Hereditary spastic paraplegia 3A. Last evaluated: 2024-03-17. Review status: criteria provided, single submitter. Criteria: ACMG Guidelines, 2015. Collection method: research. Allele origin: germline.

Genomic Medicine Center of Excellence, King Faisal Specialist Hospital and Research Centre
Classification: Likely pathogenic. Review status: flagged submission. Criteria: ACMG Guidelines, 2015. Collection method: research. Allele origin: germline. Affected: yes. Not counted in ClinVar's aggregate classification.
ClinVar note: Reason: This record appears to be redundant with a more recent record from the same submitter.
ClinVar note: Notes: SCV000221419 appears to be redundant with SCV004804863.

NM_015915.5(ATL1):c.988A>T (p.Lys330Ter)

Gene: ATL1 (atlastin GTPase 1; plus strand). Cytogenetic location: 14q22.1.
Variant type: single nucleotide variant.
Coding change: c.988A>T on transcript NM_015915.5 (MANE Select); coding-DNA position 988, A replaced by T.
Protein change: p.Lys330Ter; replaces lysine 330 with a stop codon.
Molecular consequence: nonsense.
Genome position (GRCh38, 1-based): chr14:50,620,724, A>T. VCF-style: chr14-50620724-A-T. GRCh37 (hg19) VCF-style: chr14-51087442-A-T.
Other names: c.988A>T, p.Lys330Ter (NM_001127713.1, NM_181598.4); short protein forms K330*.
Identifiers: ClinVar variation 191046 (VCV000191046.3), dbSNP rs786205487, ClinGen allele CA235905.
Genomic context (GRCh38, chr14:50,620,724, plus strand): 5'-CTAGATATTAAAGAGATCAATGGGAATAAAATCACCTGCCGGGGTCTGGTGGAGTACTTC[A>T]AGGTATCACTCTCATTTCTAGAGCATTCGTGGGATAGATTTGACATATATTGGATCGTAA-3'